The following is an entry in ClinVar:

NM_013266.4(CTNNA3):c.76C>A (p.Leu26Ile)

Gene: CTNNA3 (catenin alpha 3; minus strand). Cytogenetic location: 10q21.3.
Variant type: single nucleotide variant.
Coding change: c.76C>A on transcript NM_013266.4 (MANE Select); coding-DNA position 76, C replaced by A.
Protein change: p.Leu26Ile; replaces leucine 26 with isoleucine.
Molecular consequence: missense variant.
Genome position (GRCh38, 1-based): chr10:67,647,438, G>T on the plus strand (C>A on the coding strand, the complement: CTNNA3 is on the minus strand). VCF-style: chr10-67647438-G-T. GRCh37 (hg19) VCF-style: chr10-69407196-G-T.
Other names: c.76C>A, p.Leu26Ile (NM_001127384.3); c.112C>A, p.Leu38Ile (NM_001291133.2); short protein forms L26I, L38I.
Identifiers: ClinVar variation 1367543 (VCV001367543.8), dbSNP rs1327418198, ClinGen allele CA377100094.

ClinVar aggregate classification (germline): Uncertain significance (1 of 4 stars; one submission).

Conditions:
Arrhythmogenic right ventricular dysplasia 13. Also called: ARRHYTHMOGENIC RIGHT VENTRICULAR CARDIOMYOPATHY 13; Arrhythmogenic right ventricular dysplasia, familial, 13. Identifiers: MedGen C3810138, MONDO:0000908, OMIM 615616.

Allele frequency attached by ClinVar (database versions not stated): gnomAD exomes below 0.00001 and 0.00001; TOPMed 0.00001; gnomAD 0.00002.
gnomAD v4.1: 8 of 1,613,048 alleles (0.0005%); highest among the groups gnomAD compares: South Asian, 0.0033%; no homozygotes.

Submission:

Labcorp Genetics (formerly Invitae), Labcorp
Classification: Uncertain significance for Arrhythmogenic right ventricular dysplasia 13. Last evaluated: 2025-02-05. Review status: criteria provided, single submitter. Criteria: Invitae Variant Classification Sherloc (09022015). Collection method: clinical testing. Allele origin: germline.
Comment: This sequence change replaces leucine, which is neutral and non-polar, with isoleucine, which is neutral and non-polar, at codon 26 of the CTNNA3 protein (p.Leu26Ile). This variant is present in population databases (no rsID available, gnomAD 0.007%). This variant has not been reported in the literature in individuals affected with CTNNA3-related conditions. ClinVar contains an entry for this variant (Variation ID: 1367543). Invitae Evidence Modeling of protein sequence and biophysical properties (such as structural, functional, and spatial information, amino acid conservation, physicochemical variation, residue mobility, and thermodynamic stability) indicates that this missense variant is not expected to disrupt CTNNA3 protein function with a negative predictive value of 80%. In summary, the available evidence is currently insufficient to determine the role of this variant in disease. Therefore, it has been classified as a Variant of Uncertain Significance.